The following is an entry in ClinVar:

ClinVar aggregate classification (germline): Uncertain significance (1 of 4 stars; one submission).

Conditions:
Khan-Khan-Katsanis syndrome. Also called: 3K SYNDROME. Identifiers: MedGen C5193110, MONDO:0032764, OMIM 618460.

Submission:

3billion
Classification: Uncertain significance for Khan-Khan-Katsanis syndrome. Last evaluated: 2024-09-28. Review status: criteria provided, single submitter. Criteria: ACMG Guidelines, 2015. Collection method: clinical testing. Allele origin: germline. Affected: yes.
Comment: The variant is observed at an extremely low frequency in the gnomAD v4.1.0 dataset (total allele frequency: <0.001%). Predicted Consequence/Location: Missense variant In silico tool predictions suggest no damaging effect of the variant on gene or gene product [REVEL: 0.06 (<0.4); 3Cnet: 0.02 (<0.15, specificity 0.78 and negative predictive value 0.92)]. Therefore, this variant is classified as VUS according to the recommendation of ACMG/AMP guideline.

NM_017760.7(NCAPG2):c.2975C>T (p.Thr992Ile)

Gene: NCAPG2 (non-SMC condensin II complex subunit G2; minus strand). Cytogenetic location: 7q36.3.
Variant type: single nucleotide variant.
Coding change: c.2975C>T on transcript NM_017760.7 (MANE Select); coding-DNA position 2975, C replaced by T.
Protein change: p.Thr992Ile; replaces threonine 992 with isoleucine.
Molecular consequence: missense variant. On other transcripts: non-coding transcript variant (1).
Genome position (GRCh38, 1-based): chr7:158,650,932, G>A on the plus strand (C>T on the coding strand, the complement: NCAPG2 is on the minus strand). VCF-style: chr7-158650932-G-A. GRCh37 (hg19) VCF-style: chr7-158443624-G-A.
Other names: c.2975C>T, p.Thr992Ile (NM_001281932.2, NM_001281933.2); short protein forms T992I.
Identifiers: ClinVar variation 4293143 (VCV004293143.1).